The following is an entry in ClinVar:

NM_000061.3(BTK):c.1751-1G>T

Gene: BTK (Bruton tyrosine kinase; minus strand). Cytogenetic location: Xq22.1.
Variant type: single nucleotide variant.
Coding change: c.1751-1G>T on transcript NM_000061.3 (MANE Select); the canonical splice acceptor site of the intron before coding-DNA position 1751, G replaced by T.
Molecular consequence: splice acceptor variant.
Genome position (GRCh38, 1-based): chrX:101,353,352, C>A on the plus strand (G>T on the coding strand, the complement: BTK is on the minus strand). VCF-style: chrX-101353352-C-A. GRCh37 (hg19) VCF-style: chrX-100608340-C-A.
Other names: c.1853-1G>T (NM_001287344.2); c.1223-1G>T (NM_001287345.2).
Identifiers: ClinVar variation 2737286 (VCV002737286.3), dbSNP rs1603001846, ClinGen allele CA413919649.

ClinVar aggregate classification (germline): Pathogenic (1 of 4 stars; one submission).

Conditions:
X-linked agammaglobulinemia with growth hormone deficiency (IGHD3). Also called: AGAMMAGLOBULINEMIA AND ISOLATED GROWTH HORMONE DEFICIENCY, X-LINKED; FLEISHER SYNDROME; Isolated growth hormone deficiency type 3; Growth hormone deficiency with hypogammaglobulinemia; HYPOGAMMAGLOBULINEMIA AND ISOLATED GROWTH HORMONE DEFICIENCY, X-LINKED; IGHD III. Identifiers: Orphanet 231692, Orphanet 631, MedGen C0472813, MONDO:0010615, OMIM 307200.

Submission:

Labcorp Genetics (formerly Invitae), Labcorp
Classification: Pathogenic for X-linked agammaglobulinemia with growth hormone deficiency. Last evaluated: 2022-12-04. Review status: criteria provided, single submitter. Criteria: Invitae Variant Classification Sherloc (09022015). Collection method: clinical testing. Allele origin: germline.
Comment: This sequence change affects an acceptor splice site in intron 17 of the BTK gene. It is expected to disrupt RNA splicing. Variants that disrupt the donor or acceptor splice site typically lead to a loss of protein function (PMID: 16199547), and loss-of-function variants in BTK are known to be pathogenic (PMID: 15661032, 16862044, 19419768). This variant is not present in population databases (gnomAD no frequency). Disruption of this splice site has been observed in individuals with agammaglobulinemia (PMID: 9106525, 16712653; Invitae). Studies have shown that disruption of this splice site is associated with altered splicing resulting in multiple RNA products (PMID: 9106525). For these reasons, this variant has been classified as Pathogenic.

Literature cited by the submitters: PubMed 16199547; PubMed 15661032; PubMed 16862044; PubMed 19419768; PubMed 9106525; PubMed 16712653.